The following is an entry in ClinVar:

NM_004113.6(FGF12):c.541A>G (p.Thr181Ala)

Gene: FGF12 (fibroblast growth factor 12; minus strand). Cytogenetic location: 3q28.
Variant type: single nucleotide variant.
Coding change: c.541A>G on transcript NM_004113.6 (MANE Select); coding-DNA position 541, A replaced by G.
Protein change: p.Thr181Ala; replaces threonine 181 with alanine.
Molecular consequence: missense variant.
Genome position (GRCh38, 1-based): chr3:192,144,014, T>C on the plus strand (A>G on the coding strand, the complement: FGF12 is on the minus strand). VCF-style: chr3-192144014-T-C. GRCh37 (hg19) VCF-style: chr3-191861803-T-C.
Other names: c.430A>G, p.Thr144Ala (NM_001377292.1); c.469A>G, p.Thr157Ala (NM_001377293.1, NM_001377294.1); c.727A>G, p.Thr243Ala (NM_021032.5); short protein forms T157A, T243A, T181A, T144A.
Identifiers: ClinVar variation 2195318 (VCV002195318.4), dbSNP rs780659108, ClinGen allele CA2755710.

ClinVar aggregate classification (germline): Uncertain significance (1 of 4 stars; one submission).

Allele frequency attached by ClinVar (database versions not stated): gnomAD exomes 0.00001; TOPMed 0.00001; ExAC 0.00002.
gnomAD v4.1: 13 of 1,596,034 alleles (0.00081%); highest among the groups gnomAD compares: African/African-American, 0.0013%; no homozygotes.

Submission:

Labcorp Genetics (formerly Invitae), Labcorp
Classification: Uncertain significance. Last evaluated: 2023-05-21. Review status: criteria provided, single submitter. Criteria: Invitae Variant Classification Sherloc (09022015). Collection method: clinical testing. Allele origin: germline.
Comment: In summary, the available evidence is currently insufficient to determine the role of this variant in disease. Therefore, it has been classified as a Variant of Uncertain Significance. Algorithms developed to predict the effect of missense changes on protein structure and function output the following: SIFT: "Not Available"; PolyPhen-2: "Benign"; Align-GVGD: "Not Available". The alanine amino acid residue is found in multiple mammalian species, which suggests that this missense change does not adversely affect protein function. ClinVar contains an entry for this variant (Variation ID: 2195318). This variant has not been reported in the literature in individuals affected with FGF12-related conditions. This variant is present in population databases (rs780659108, gnomAD 0.002%). This sequence change replaces threonine, which is neutral and polar, with alanine, which is neutral and non-polar, at codon 243 of the FGF12 protein (p.Thr243Ala).